The following is an entry in ClinVar:

NM_000526.5(KRT14):c.808G>A (p.Val270Met)

Gene: KRT14 (keratin 14; minus strand). Cytogenetic location: 17q21.2.
Variant type: single nucleotide variant.
Coding change: c.808G>A on transcript NM_000526.5 (MANE Select); coding-DNA position 808, G replaced by A.
Protein change: p.Val270Met; replaces valine 270 with methionine.
Molecular consequence: missense variant.
Genome position (GRCh38, 1-based): chr17:41,583,879, C>T on the plus strand (G>A on the coding strand, the complement: KRT14 is on the minus strand). VCF-style: chr17-41583879-C-T. GRCh37 (hg19) VCF-style: chr17-39740131-C-T.
Other names: short protein forms V270M.
Identifiers: ClinVar variation 66377 (VCV000066377.2), dbSNP rs58560979, ClinGen allele CA216978.

ClinVar aggregate classification (germline): Pathogenic. Review status: criteria provided, single submitter (1 of 4 stars). 2 submissions from 2 submitters: Pathogenic (1). 1 of the submissions does not count toward it. Last evaluated 2022-01-03.

Conditions:
Epidermolysis bullosa simplex, Koebner type. Identifiers: Orphanet 79399, MedGen C5561924, MONDO:0007554, OMIM 131900.

Submissions (2):

3billion
Classification: Pathogenic for Epidermolysis bullosa simplex, Koebner type. Last evaluated: 2022-01-03. Review status: criteria provided, single submitter. Criteria: ACMG Guidelines, 2015. Collection method: clinical testing. Allele origin: germline. Affected: yes. Observed: 1 heterozygote.
Comment: The variant was observed to be de novo (3billion dataset, PS2_S). Same nucleotide change resulting in same amino acid change has been previously reported to be associated with KRT14 related disorder (PMID:7506097, PS1_P). The variant is located in a well-established functional domain or exonic hotspot, where pathogenic variants have frequently reported (PM1_M). A different missense change at the same codon has been reported to be associated with KRT14 related disorder (PMID:23774754, PM5_P). In silico tool predictions suggest damaging effect of the variant on gene or gene product (REVEL: 0.802, PP3_P). A missense variant is a common mechanism associated with Epidermolysis bullosa simplex (PP2_P). It is not observed in the gnomAD v2.1.1 dataset (PM2_M). Therefore, this variant is classified as pathogenic according to the recommendation of ACMG/AMP guideline.

Epithelial Biology;  Institute of Medical Biology, Singapore
No classification provided. Review status: no classification provided. Collection method: not provided. Allele origin: not provided. Not counted in ClinVar's aggregate classification.

Literature cited by the submitters: PubMed 23774754 (cited by 3billion); PubMed 7506097 (cited by 3billion).